The following is an entry in ClinVar:

NM_024675.4(PALB2):c.655_656del (p.Asp219fs)

Gene: PALB2 (partner and localizer of BRCA2; minus strand). Cytogenetic location: 16p12.2.
Variant type: Deletion.
Coding change: c.655_656del on transcript NM_024675.4 (MANE Select); coding-DNA positions 655 to 656, 2 bases deleted (GA; older notation c.655_656delGA).
Protein change: p.Asp219fs; shifts the reading frame from aspartic acid 219.
Molecular consequence: frameshift variant.
Genome position (GRCh38, 1-based): chr16:23,635,890-23,635,891, TC deleted on the plus strand (GA on the coding strand, the reverse complement: PALB2 is on the minus strand); deleting any 2 consecutive bases within chr16:23,635,890-23,635,892 gives the same sequence; the c. name uses the placement nearest the transcript's 3' end. VCF-style (leftmost placement, unchanged base first): chr16-23635889-GTC-G. GRCh37 (hg19) VCF-style: chr16-23647210-GTC-G.
Other names: c.655_656delGA (NM_024675.3); short protein forms D219fs.
Identifiers: ClinVar variation 631032 (VCV000631032.6), dbSNP rs1567222580, ClinGen allele CA913188727.

ClinVar aggregate classification (germline): Pathogenic. Review status: criteria provided, multiple submitters, no conflicts (2 of 4 stars). 2 submissions from 2 submitters: Pathogenic (2). Last evaluated 2022-03-15.

Conditions:
Hereditary cancer-predisposing syndrome. Also called: Tumor predisposition; Neoplastic Syndromes, Hereditary; Hereditary neoplastic syndrome; Hereditary Cancer Syndrome. Identifiers: Orphanet 140162, MedGen C0027672, MeSH D009386, MONDO:0015356.

Submissions (2):

Color Diagnostics, LLC DBA Color Health
Classification: Pathogenic for Hereditary cancer-predisposing syndrome. Last evaluated: 2022-03-15. Review status: criteria provided, single submitter. Criteria: ACMG Guidelines, 2015. Collection method: clinical testing. Allele origin: germline.
Comment: This variant deletes 2 nucleotides in exon 4 of the PALB2 gene, creating a frameshift and premature translation stop signal. This variant is expected to result in an absent or non-functional protein product. To our knowledge, this variant has not been reported in individuals affected with hereditary cancer in the literature. This variant has not been identified in the general population by the Genome Aggregation Database (gnomAD). Loss of PALB2 function is a known mechanism of disease. Based on the available evidence, this variant is classified as Pathogenic.

Ambry Genetics
Classification: Pathogenic for Hereditary cancer-predisposing syndrome. Last evaluated: 2020-03-11. Review status: criteria provided, single submitter. Criteria: Ambry Variant Classification Scheme 2023. Collection method: clinical testing. Allele origin: germline.
Comment: The c.655_656delGA pathogenic mutation, located in coding exon 4 of the PALB2 gene, results from a deletion of two nucleotides at nucleotide positions 655 to 656, causing a translational frameshift with a predicted alternate stop codon (p.D219Qfs*15). This alteration is expected to result in loss of function by premature protein truncation or nonsense-mediated mRNA decay. As such, this alteration is interpreted as a disease-causing mutation.